The following is an entry in ClinVar:

NM_001018072.2(ABTB3):c.2268G>A (p.Lys756=)

Gene: ABTB3 (ankyrin repeat and BTB domain containing 3; plus strand). Cytogenetic location: 12q23.3.
Variant type: single nucleotide variant.
Coding change: c.2268G>A on transcript NM_001018072.2 (MANE Select); coding-DNA position 2268, G replaced by A.
Protein change: p.Lys756=; no amino-acid change (lysine 756 retained).
Molecular consequence: synonymous variant. On other transcripts: intron variant (2).
Genome position (GRCh38, 1-based): chr12:107,618,194, G>A. VCF-style: chr12-107618194-G-A. GRCh37 (hg19) VCF-style: chr12-108011971-G-A.
Other names: c.879G>A, p.Lys293= (NM_001017523.2); c.2095+1012G>A (NM_001347943.2); c.997+1012G>A (NM_001347944.1).
Identifiers: ClinVar variation 2643263 (VCV002643263.24), dbSNP rs56296886, ClinGen allele CA6764966.
Genomic context (GRCh38, chr12:107,618,194, plus strand): 5'-CCTCTCTGGGTTTATGATTGACAGGAATGTGTTCCGCAAACTGCTCGCCCAGCCAGAGAA[G>A]GAGAAGAGTGATATCCTGTCCCTGGAGGAGATTCTGGCCGAGGGGACTGACCTGGCGGAG-3'
Protein context (NP_001018082.1, residues 746-766): VFRKLLAQPE[Lys756=]EKSDILSLEE

ClinVar aggregate classification (germline): Likely benign (1 of 4 stars; one submission).

Allele frequency attached by ClinVar (database versions not stated): 1000 Genomes Project 30x 0.00172; 1000 Genomes Project 0.00180; TOPMed 0.00376; gnomAD 0.00433; ExAC 0.00472; ESP Exome Variant Server 0.00584; gnomAD exomes 0.00666.
gnomAD v4.1: 10,317 of 1,614,134 alleles (0.64%); highest among the groups gnomAD compares: Non-Finnish European, 0.78%; 45 homozygotes.

Submission:

CeGaT Center for Human Genetics Tuebingen
Classification: Likely benign. Last evaluated: 2023-02-01. Review status: criteria provided, single submitter. Criteria: CeGaT Center For Human Genetics Tuebingen Variant Classification Criteria Version 2. Collection method: clinical testing. Allele origin: germline. Affected: yes. Observed: 1 variant allele.
Comment: ABTB3: BP4, BS2